The following is an entry in ClinVar:

NM_018896.5(CACNA1G):c.5238G>C (p.Leu1746=)

Gene: CACNA1G (calcium voltage-gated channel subunit alpha1 G; plus strand). Cytogenetic location: 17q21.33.
Variant type: single nucleotide variant.
Coding change: c.5238G>C on transcript NM_018896.5 (MANE Select); coding-DNA position 5238, G replaced by C.
Protein change: p.Leu1746=; no amino-acid change (leucine 1746 retained).
Molecular consequence: synonymous variant.
Genome position (GRCh38, 1-based): chr17:50,618,059, G>C. VCF-style: chr17-50618059-G-C. GRCh37 (hg19) VCF-style: chr17-48695420-G-C.
Other names: c.5184G>C, p.Leu1728= (NM_001256324.2, NM_198386.3); c.5259G>C, p.Leu1753= (NM_001256325.2); c.5103G>C, p.Leu1701= (NM_001256326.2, NM_001256330.2); c.5217G>C, p.Leu1739= (NM_001256327.2); c.5163G>C, p.Leu1721= (NM_001256328.2); c.5136G>C, p.Leu1712= (NM_001256329.2, NM_198376.3, NM_198379.3 and 2 more transcripts); c.5082G>C, p.Leu1694= (NM_001256331.2); c.5067G>C, p.Leu1689= (NM_001256332.2); and 7 more.
Identifiers: ClinVar variation 2431942 (VCV002431942.2), dbSNP rs771021266, ClinGen allele CA8653347.
Genomic context (GRCh38, chr17:50,618,059, plus strand): 5'-GACTGGGAGACCCAGCGGCATCGTTTCTATTTCTTCTCCTTTTTTCCAGGTGGGGAACCT[G>C]GGACTTCTCTTCATGTTGTTGTTTTTCATCTTTGCAGCTCTGGGCGTGGAGCTCTTTGGA-3'
Protein context (NP_061496.2, residues 1736-1756): VMQALPQVGN[Leu1746=]GLLFMLLFFI

ClinVar aggregate classification (germline): Uncertain significance (1 of 4 stars; one submission).

Conditions:
Spinocerebellar ataxia type 42. Identifiers: Orphanet 458803, MedGen C4225205, MONDO:0014776, OMIM 616795.

Allele frequency attached by ClinVar (database versions not stated): ExAC 0.00001; gnomAD 0.00001; gnomAD exomes 0.00001.
gnomAD v4.1: 10 of 1,613,806 alleles (0.00062%); highest among the groups gnomAD compares: Middle Eastern, 0.05%; no homozygotes.

Submission:

Laboratorio de Genetica e Diagnostico Molecular, Hospital Israelita Albert Einstein
Classification: Uncertain significance for Spinocerebellar ataxia type 42. Last evaluated: 2022-07-12. Review status: criteria provided, single submitter. Criteria: ACMG Guidelines, 2015. Collection method: clinical testing. Allele origin: germline. Affected: yes.
Comment: ACMG classification criteria: PM2 moderated